The following is an entry in ClinVar:

NM_006231.4(POLE):c.5002G>T (p.Gly1668Cys)

Gene: POLE (DNA polymerase epsilon, catalytic subunit; minus strand). Cytogenetic location: 12q24.33.
Variant type: single nucleotide variant.
Coding change: c.5002G>T on transcript NM_006231.4 (MANE Select); coding-DNA position 5002, G replaced by T.
Protein change: p.Gly1668Cys; replaces glycine 1668 with cysteine.
Molecular consequence: missense variant.
Genome position (GRCh38, 1-based): chr12:132,642,348, C>A on the plus strand (G>T on the coding strand, the complement: POLE is on the minus strand). VCF-style: chr12-132642348-C-A. GRCh37 (hg19) VCF-style: chr12-133218934-C-A.
Other names: short protein forms G1668C.
Identifiers: ClinVar variation 3781575 (VCV003781575.1).

ClinVar aggregate classification (germline): Uncertain significance (1 of 4 stars; one submission).

Conditions:
Hereditary cancer-predisposing syndrome. Also called: Neoplastic Syndromes, Hereditary; Hereditary Cancer Syndrome; Tumor predisposition; Hereditary neoplastic syndrome. Identifiers: Orphanet 140162, MedGen C0027672, MeSH D009386, MONDO:0015356.

Submission:

Ambry Genetics
Classification: Uncertain significance for Hereditary cancer-predisposing syndrome. Last evaluated: 2025-01-31. Review status: criteria provided, single submitter. Criteria: Ambry Variant Classification Scheme 2023. Collection method: clinical testing. Allele origin: germline.
Comment: The p.G1668C variant (also known as c.5002G>T), located in coding exon 38 of the POLE gene, results from a G to T substitution at nucleotide position 5002. The glycine at codon 1668 is replaced by cysteine, an amino acid with highly dissimilar properties. This amino acid position is conserved. In addition, this alteration is predicted to be deleterious by in silico analysis. Based on the available evidence, the clinical significance of this variant remains unclear.